The following is an entry in ClinVar:

ClinVar aggregate classification (germline): Likely benign (0 of 4 stars; one submission).

Conditions:
GATA3-related disorder. Also called: GATA3-related condition.

Allele frequency attached by ClinVar (database versions not stated): gnomAD 0.00001.
gnomAD v4.1: 1 of 1,608,854 alleles (0.000062%); highest among the groups gnomAD compares: African/African-American, 0.0013%; no homozygotes.

Submission:

PreventionGenetics, part of Exact Sciences
Classification: Likely benign for GATA3-related condition. Last evaluated: 2023-12-01. Review status: no assertion criteria provided. Collection method: clinical testing. Allele origin: germline.
Comment: This variant is classified as likely benign based on ACMG/AMP sequence variant interpretation guidelines (Richards et al. 2015 PMID: 25741868, with internal and published modifications).

NM_001002295.2(GATA3):c.723C>G (p.Gly241=)

Gene: GATA3 (GATA binding protein 3; plus strand). Cytogenetic location: 10p14.
Variant type: single nucleotide variant.
Coding change: c.723C>G on transcript NM_001002295.2 (MANE Select); coding-DNA position 723, C replaced by G.
Protein change: p.Gly241=; no amino-acid change (glycine 241 retained).
Molecular consequence: synonymous variant.
Genome position (GRCh38, 1-based): chr10:8,058,786, C>G. VCF-style: chr10-8058786-C-G. GRCh37 (hg19) VCF-style: chr10-8100749-C-G.
Other names: c.723C>G, p.Gly241= (NM_002051.3).
Identifiers: ClinVar variation 3033006 (VCV003033006.2), dbSNP rs1299566005, ClinGen allele CA468199849.